The following is an entry in ClinVar:

NM_000286.3(PEX12):c.531A>G (p.Gln177=)

Gene: PEX12 (peroxisomal biogenesis factor 12; minus strand). Cytogenetic location: 17q12.
Variant type: single nucleotide variant.
Coding change: c.531A>G on transcript NM_000286.3 (MANE Select); coding-DNA position 531, A replaced by G.
Protein change: p.Gln177=; no amino-acid change (glutamine 177 retained).
Molecular consequence: synonymous variant.
Genome position (GRCh38, 1-based): chr17:35,577,187, T>C on the plus strand (A>G on the coding strand, the complement: PEX12 is on the minus strand). VCF-style: chr17-35577187-T-C. GRCh37 (hg19) VCF-style: chr17-33904206-T-C.
Identifiers: ClinVar variation 2160226 (VCV002160226.1), dbSNP rs768919252, ClinGen allele CA8504898.

ClinVar aggregate classification (germline): Uncertain significance (1 of 4 stars; one submission).

Conditions:
Peroxisome biogenesis disorder 3A (Zellweger). Also called: PEROXISOMAL BIOGENESIS DISORDER 3A (ZELLWEGER); Peroxisome biogenesis disorder 3A. Identifiers: Orphanet 912, MedGen C3553929, MONDO:0013927, OMIM 614859.

Allele frequency attached by ClinVar (database versions not stated): gnomAD exomes below 0.00001; ExAC 0.00001.
gnomAD v4.1: 1 of 1,614,136 alleles (0.000062%); highest among the groups gnomAD compares: Non-Finnish European, 0.000085%; no homozygotes.

Submission:

Labcorp Genetics (formerly Invitae), Labcorp
Classification: Uncertain significance for Peroxisome biogenesis disorder 3A (Zellweger). Last evaluated: 2021-04-25. Review status: criteria provided, single submitter. Criteria: Invitae Variant Classification Sherloc (09022015). Collection method: clinical testing. Allele origin: germline.
Comment: This sequence change affects codon 177 of the PEX12 mRNA. It is a 'silent' change, meaning that it does not change the encoded amino acid sequence of the PEX12 protein. This variant is present in population databases (rs768919252, ExAC 0.001%). This variant has not been reported in the literature in individuals with PEX12-related conditions. Algorithms developed to predict the effect of sequence changes on RNA splicing suggest that this variant may create or strengthen a splice site, but this prediction has not been confirmed by published transcriptional studies. In summary, the available evidence is currently insufficient to determine the role of this variant in disease. Therefore, it has been classified as a Variant of Uncertain Significance.